The following is an entry in ClinVar:

NM_001395159.1(UNC79):c.7611C>T (p.Ser2537=)

Gene: UNC79 (unc-79 subunit of NALCN channel complex; plus strand). Cytogenetic location: 14q32.12.
Variant type: single nucleotide variant.
Coding change: c.7611C>T on transcript NM_001395159.1 (MANE Select); coding-DNA position 7611, C replaced by T.
Protein change: p.Ser2537=; no amino-acid change (serine 2537 retained).
Molecular consequence: synonymous variant.
Genome position (GRCh38, 1-based): chr14:93,691,754, C>T. VCF-style: chr14-93691754-C-T. GRCh37 (hg19) VCF-style: chr14-94158100-C-T.
Other names: c.7545C>T, p.Ser2515= (NM_001346218.2); c.6864C>T, p.Ser2288= (NM_020818.5).
Identifiers: ClinVar variation 4874213 (VCV004874213.2).
Genomic context (GRCh38, chr14:93,691,754, plus strand): 5'-GAGGGCCACAGCCTGCTGGGATGCAATGCACTGATGCCGTCTTCTTCCTTTTCAGACCTC[C>T]GTGCTGCACATGTGCTCCCTCTTCCACGCGTTCATCTTTGCTCAGCTGTGGACAGTTTAT-3'
Protein context (NP_001382088.1, residues 2527-2547): LIGFPEQSKT[Ser2537=]VLHMCSLFHA

ClinVar aggregate classification (germline): Likely benign (1 of 4 stars; one submission).

gnomAD v4.1: 8 of 1,613,996 alleles (0.0005%); highest among the groups gnomAD compares: African/African-American, 0.0053%; no homozygotes.

Submission:

CeGaT Center for Human Genetics Tuebingen
Classification: Likely benign. Last evaluated: 2026-05-01. Review status: criteria provided, single submitter. Criteria: CeGaT Center For Human Genetics Tuebingen Variant Classification Criteria Version 2. Collection method: clinical testing. Allele origin: germline. Affected: yes. Observed: 1 variant allele.
Comment: UNC79: BP4, BP7